The following is an entry in ClinVar:

ClinVar aggregate classification (germline): Uncertain significance. Review status: criteria provided, multiple submitters, no conflicts (2 of 4 stars). 2 submissions from 2 submitters: Uncertain significance (2). Last evaluated 2025-02-10.

Conditions:
Kleefstra syndrome 1 (KLEFS1). Identifiers: Orphanet 261494, MedGen C0795833, MONDO:0027407, OMIM 610253.

Allele frequency attached by ClinVar (database versions not stated): gnomAD exomes below 0.00001; TOPMed below 0.00001; gnomAD 0.00001.
gnomAD v4.1: 3 of 1,613,926 alleles (0.00019%); highest among the groups gnomAD compares: Non-Finnish European, 0.00017%; no homozygotes.

Submissions (2):

Labcorp Genetics (formerly Invitae), Labcorp
Classification: Uncertain significance for Kleefstra syndrome 1. Last evaluated: 2025-02-10. Review status: criteria provided, single submitter. Criteria: Invitae Variant Classification Sherloc (09022015). Collection method: clinical testing. Allele origin: germline.
Comment: This sequence change replaces arginine, which is basic and polar, with cysteine, which is neutral and slightly polar, at codon 564 of the EHMT1 protein (p.Arg564Cys). This variant is present in population databases (no rsID available, gnomAD 0.007%). This variant has not been reported in the literature in individuals affected with EHMT1-related conditions. ClinVar contains an entry for this variant (Variation ID: 1309215). Invitae Evidence Modeling of protein sequence and biophysical properties (such as structural, functional, and spatial information, amino acid conservation, physicochemical variation, residue mobility, and thermodynamic stability) indicates that this missense variant is expected to disrupt EHMT1 protein function with a positive predictive value of 80%. In summary, the available evidence is currently insufficient to determine the role of this variant in disease. Therefore, it has been classified as a Variant of Uncertain Significance.

GeneDx
Classification: Uncertain significance. Last evaluated: 2022-10-26. Review status: criteria provided, single submitter. Criteria: GeneDx Variant Classification Process June 2021. Collection method: clinical testing. Allele origin: germline. Affected: yes.
Comment: Not observed at significant frequency in large population cohorts (gnomAD); In silico analysis, which includes protein predictors and evolutionary conservation, supports a deleterious effect; Has not been previously published as pathogenic or benign to our knowledge

NM_024757.5(EHMT1):c.1690C>T (p.Arg564Cys)

Gene: EHMT1 (euchromatic histone lysine methyltransferase 1; plus strand). Cytogenetic location: 9q34.3.
Variant type: single nucleotide variant.
Coding change: c.1690C>T on transcript NM_024757.5 (MANE Select); coding-DNA position 1690, C replaced by T.
Protein change: p.Arg564Cys; replaces arginine 564 with cysteine.
Molecular consequence: missense variant.
Genome position (GRCh38, 1-based): chr9:137,775,151, C>T. VCF-style: chr9-137775151-C-T. GRCh37 (hg19) VCF-style: chr9-140669603-C-T.
Other names: c.1690C>T, p.Arg564Cys (NM_001145527.2); c.1597C>T, p.Arg533Cys (NM_001354259.2); c.1669C>T, p.Arg557Cys (NM_001354263.2); short protein forms R533C, R557C, R564C.
Identifiers: ClinVar variation 1309215 (VCV001309215.7), dbSNP rs1157528426, ClinGen allele CA375773505.
Genomic context (GRCh38, chr9:137,775,151, plus strand): 5'-AGTCTTGTCTGATTGCAGTTGGGCCGGTGCACAAACAGCGTGGTCAAGTATGAGCTGATG[C>T]GCCCCTCCAACAAGGCCCCGCTCCTCGTGCTGTGTGAAGACCACCGGGGCCGCATGGTGA-3'
Protein context (NP_079033.4, residues 554-574): TNSVVKYELM[Arg564Cys]PSNKAPLLVL